The following is an entry in ClinVar:

ClinVar aggregate classification (germline): Uncertain significance. Review status: criteria provided, multiple submitters, no conflicts (2 of 4 stars). 2 submissions from 2 submitters: Uncertain significance (2). Last evaluated 2025-02-17.

Conditions:
Adams-Oliver syndrome 6 (AOS6). Identifiers: Orphanet 974, MedGen C4225271, MONDO:0014703, OMIM 616589.

Allele frequency attached by ClinVar (database versions not stated): gnomAD 0.00004; gnomAD exomes 0.00004; TOPMed 0.00007; ESP Exome Variant Server 0.00008; ExAC 0.00004.
gnomAD v4.1: 62 of 1,613,074 alleles (0.0038%); highest among the groups gnomAD compares: Middle Eastern, 0.016%; no homozygotes.

Submissions (2):

Labcorp Genetics (formerly Invitae), Labcorp
Classification: Uncertain significance. Last evaluated: 2025-02-17. Review status: criteria provided, single submitter. Criteria: Invitae Variant Classification Sherloc (09022015). Collection method: clinical testing. Allele origin: germline.
Comment: This sequence change replaces arginine, which is basic and polar, with glutamine, which is neutral and polar, at codon 624 of the DLL4 protein (p.Arg624Gln). This variant is present in population databases (rs202066588, gnomAD 0.006%). This variant has not been reported in the literature in individuals affected with DLL4-related conditions. ClinVar contains an entry for this variant (Variation ID: 2419365). Invitae Evidence Modeling of protein sequence and biophysical properties (such as structural, functional, and spatial information, amino acid conservation, physicochemical variation, residue mobility, and thermodynamic stability) indicates that this missense variant is not expected to disrupt DLL4 protein function with a negative predictive value of 80%. In summary, the available evidence is currently insufficient to determine the role of this variant in disease. Therefore, it has been classified as a Variant of Uncertain Significance.

Juno Genomics, Hangzhou Juno Genomics, Inc
Classification: Uncertain significance for Adams-Oliver syndrome 6. Review status: criteria provided, single submitter. Criteria: ACMG Guidelines, 2015. Collection method: clinical testing. Allele origin: germline.
Comment: Absent from controls (or at extremely low frequency if recessive) in Genome Aggregation Database.;Multiple lines of computational evidence suggest no impact on gene or gene product.;Missense variant in a gene that has a low rate of benign missense variation.

NM_019074.4(DLL4):c.1871G>A (p.Arg624Gln)

Gene: DLL4 (delta like canonical Notch ligand 4; plus strand). Cytogenetic location: 15q15.1.
Variant type: single nucleotide variant.
Coding change: c.1871G>A on transcript NM_019074.4 (MANE Select); coding-DNA position 1871, G replaced by A.
Protein change: p.Arg624Gln; replaces arginine 624 with glutamine.
Molecular consequence: missense variant.
Genome position (GRCh38, 1-based): chr15:40,936,858, G>A. VCF-style: chr15-40936858-G-A. GRCh37 (hg19) VCF-style: chr15-41229056-G-A.
Other names: short protein forms R624Q.
Identifiers: ClinVar variation 2419365 (VCV002419365.8), dbSNP rs202066588, ClinGen allele CA7488009.
Genomic context (GRCh38, chr15:40,936,858, plus strand): 5'-ACTGTGGCAAACAGCAAAACCACACATTGGACTATAATCTGGCCCCAGGGCCCCTGGGGC[G>A]GGGGACCATGCCAGGAAAGTTTCCCCACAGTGACAAGAGCTTAGGAGAGAAGGCGCCACT-3'
Protein context (NP_061947.1, residues 614-634): DYNLAPGPLG[Arg624Gln]GTMPGKFPHS